The following is an entry in ClinVar:

ClinVar aggregate classification (germline): Conflicting classifications of pathogenicity. Review status: criteria provided, conflicting classifications (1 of 4 stars). 3 submissions from 3 submitters: Likely pathogenic (1); Uncertain significance (2). Last evaluated 2023-08-24.

Conditions:
Sifrim-Hitz-Weiss syndrome (SIHIWES). Also called: SIFRIM-HITZ-WEISS MULTIPLE CONGENITAL ANOMALIES-MENTAL RETARDATION SYNDROME; CHD4 Neurodevelopmental Disorder. Identifiers: Orphanet 653712, MedGen C4310688, MONDO:0014946, OMIM 617159.

Submissions (3):

Genetics and Molecular Pathology, SA Pathology
Classification: Likely pathogenic for Sifrim-Hitz-Weiss syndrome. Last evaluated: 2023-08-24. Review status: criteria provided, single submitter. Criteria: ACMG Guidelines, 2015. Collection method: clinical testing. Allele origin: germline. Affected: yes.

Labcorp Genetics (formerly Invitae), Labcorp
Classification: Uncertain significance. Last evaluated: 2023-01-15. Review status: criteria provided, single submitter. Criteria: Invitae Variant Classification Sherloc (09022015). Collection method: clinical testing. Allele origin: germline.
Comment: This variant has not been reported in the literature in individuals affected with CHD4-related conditions. This sequence change replaces arginine, which is basic and polar, with histidine, which is basic and polar, at codon 813 of the CHD4 protein (p.Arg813His). This variant is not present in population databases (gnomAD no frequency). ClinVar contains an entry for this variant (Variation ID: 1333566). Advanced modeling of protein sequence and biophysical properties (such as structural, functional, and spatial information, amino acid conservation, physicochemical variation, residue mobility, and thermodynamic stability) performed at Invitae indicates that this missense variant is expected to disrupt CHD4 protein function. In summary, the available evidence is currently insufficient to determine the role of this variant in disease. Therefore, it has been classified as a Variant of Uncertain Significance.

3billion
Classification: Uncertain significance for Sifrim-Hitz-Weiss syndrome. Last evaluated: 2022-01-03. Review status: criteria provided, single submitter. Criteria: ACMG Guidelines, 2015. Collection method: clinical testing. Allele origin: germline. Affected: yes. Observed: 1 heterozygote.
Comment: The variant not observed in the gnomAD v2.1.1 dataset (PM2_M). In silico tool predictions suggest damaging effect of the variant on gene or gene product (REVEL: 0.943, 3CNET: 0.793, PP3_P). A missense variant is a common mechanism associated with Sifrim-Hitz-Weiss syndrome (PP2_P). Therefore, this variant is classified as uncertain significance according to the recommendation of ACMG/AMP guideline.

NM_001273.5(CHD4):c.2438G>A (p.Arg813His)

Gene: CHD4 (chromodomain helicase DNA binding protein 4; minus strand). Cytogenetic location: 12p13.31.
Variant type: single nucleotide variant.
Coding change: c.2438G>A on transcript NM_001273.5 (MANE Select); coding-DNA position 2438, G replaced by A.
Protein change: p.Arg813His; replaces arginine 813 with histidine.
Molecular consequence: missense variant.
Genome position (GRCh38, 1-based): chr12:6,593,492, C>T on the plus strand (G>A on the coding strand, the complement: CHD4 is on the minus strand). VCF-style: chr12-6593492-C-T. GRCh37 (hg19) VCF-style: chr12-6702658-C-T.
Other names: c.2417G>A, p.Arg806His (NM_001297553.2); c.2399G>A, p.Arg800His (NM_001363606.2); short protein forms R800H, R806H, R813H.
Identifiers: ClinVar variation 1333566 (VCV001333566.5), dbSNP rs2136215523, ClinGen allele CA383593243.